The following is an entry in ClinVar:

NM_170601.5(SIAE):c.1018C>T (p.Arg340Cys)

Gene: SIAE (sialic acid acetylesterase; minus strand). Cytogenetic location: 11q24.2.
Variant type: single nucleotide variant.
Coding change: c.1018C>T on transcript NM_170601.5 (MANE Select); coding-DNA position 1018, C replaced by T.
Protein change: p.Arg340Cys; replaces arginine 340 with cysteine.
Molecular consequence: missense variant.
Genome position (GRCh38, 1-based): chr11:124,639,816, G>A on the plus strand (C>T on the coding strand, the complement: SIAE is on the minus strand). VCF-style: chr11-124639816-G-A. GRCh37 (hg19) VCF-style: chr11-124509712-G-A.
Other names: c.1018C>T (NM_170601.4); c.913C>T, p.Arg305Cys (NM_001199922.2); short protein forms R305C, R340C.
Identifiers: ClinVar variation 2413298 (VCV002413298.7), dbSNP rs956977113, ClinGen allele CA230385693.

ClinVar aggregate classification (germline): Uncertain significance. Review status: criteria provided, multiple submitters, no conflicts (2 of 4 stars). 2 submissions from 2 submitters: Uncertain significance (2). Last evaluated 2025-02-08.

Conditions:
SIAE-related disorder. Also called: SIAE-related condition.

Allele frequency attached by ClinVar (database versions not stated): gnomAD 0.00001.
gnomAD v4.1: 4 of 1,614,084 alleles (0.00025%); highest among the groups gnomAD compares: African/African-American, 0.0013%; no homozygotes.

Submissions (2):

PreventionGenetics, part of Exact Sciences
Classification: Uncertain significance for SIAE-related condition. Last evaluated: 2025-02-08. Review status: criteria provided, single submitter. Criteria: ACMG Guidelines, 2015. Collection method: clinical testing. Allele origin: germline.
Comment: The SIAE c.1018C>T variant is predicted to result in the amino acid substitution p.Arg340Cys. To our knowledge, this variant has not been reported in the literature. This variant is reported in 0.0065% of alleles in individuals of European (Non-Finnish) descent in gnomAD. At this time, the clinical significance of this variant is uncertain due to the absence of conclusive functional and genetic evidence.

Labcorp Genetics (formerly Invitae), Labcorp
Classification: Uncertain significance. Last evaluated: 2022-05-31. Review status: criteria provided, single submitter. Criteria: Invitae Variant Classification Sherloc (09022015). Collection method: clinical testing. Allele origin: germline.
Comment: In summary, the available evidence is currently insufficient to determine the role of this variant in disease. Therefore, it has been classified as a Variant of Uncertain Significance. Algorithms developed to predict the effect of missense changes on protein structure and function (SIFT, PolyPhen-2, Align-GVGD) all suggest that this variant is likely to be disruptive. This variant has not been reported in the literature in individuals affected with SIAE-related conditions. This variant is present in population databases (no rsID available, gnomAD 0.007%). This sequence change replaces arginine, which is basic and polar, with cysteine, which is neutral and slightly polar, at codon 340 of the SIAE protein (p.Arg340Cys).